The following is an entry in ClinVar:

ClinVar aggregate classification (germline): Likely pathogenic (1 of 4 stars; one submission).

Conditions:
Fabry disease. Also called: ALPHA-GALACTOSIDASE A DEFICIENCY; ANDERSON-FABRY DISEASE; CERAMIDE TRIHEXOSIDASE DEFICIENCY; GLA DEFICIENCY; HEREDITARY DYSTOPIC LIPIDOSIS; Angiokeratoma corporis diffusum. Identifiers: Orphanet 324, MedGen C0002986, MONDO:0010526, OMIM 301500, HP:0001071. Disease mechanism: Fabry disease is due to inactivating mutations in the X-linked GLA gene resulting in deficiency of the enzyme Alpha Galactosidase-A., loss of function.

Submission:

Genomenon, Inc
Classification: Likely pathogenic for Fabry disease. Last evaluated: 2026-09-08. Review status: criteria provided, single submitter. Criteria: Genomenon Sequence Variant Interpretation Standards - Updated. Collection method: curation. Allele origin: germline. Affected: yes.
Comment: GLA p.Phe337Ser (c.1010T>C) is a missense variant that changes the amino acid at codon 337 from Phenylalanine to Serine. This variant has been observed in at least one proband with clinical features consistent with Fabry disease (PMID:32442237;27585509;37727814;39362930;32813676). The variant was found to segregate with disease in at least one affected family (PMID:37727814). Functional or patient cell studies have been reported (PMID:27585509). It is absent or not present at a significant frequency in gnomAD. In silico models predict that this variant is possibly or probably damaging. In conclusion, we classify GLA p.Phe337Ser (c.1010T>C) as a likely pathogenic variant.

Literature cited by the submitters: PubMed 32442237; PubMed 27585509; PubMed 37727814; PubMed 39362930; PubMed 32813676.

NM_000169.3(GLA):c.1010T>C (p.Phe337Ser)

Genes: GLA (galactosidase alpha; minus strand), RPL36A-HNRNPH2 (RPL36A-HNRNPH2 readthrough; plus strand). Cytogenetic location: Xq22.1.
Variant type: single nucleotide variant.
Coding change: c.1010T>C on transcript NM_000169.3 (MANE Select); coding-DNA position 1010, T replaced by C.
Protein change: p.Phe337Ser; replaces phenylalanine 337 with serine.
Molecular consequence: missense variant. On other transcripts: non-coding transcript variant (3), intron variant (2).
Genome position (GRCh38, 1-based): chrX:101,398,089, A>G on the plus strand (T>C on the coding strand, the complement: GLA is on the minus strand). VCF-style: chrX-101398089-A-G. GRCh37 (hg19) VCF-style: chrX-100653077-A-G.
Other names: c.1133T>C, p.Phe378Ser (NM_001406747.1); c.300+2632A>G (NM_001199973.2); c.177+6267A>G (NM_001199974.2); short protein forms F337S, F378S.
Identifiers: ClinVar variation 4087614 (VCV004087614.2).